The following is an entry in ClinVar:

ClinVar aggregate classification (germline): Uncertain significance. Review status: criteria provided, multiple submitters, no conflicts (2 of 4 stars). 5 submissions from 5 submitters: Uncertain significance (5). Last evaluated 2025-02-24.

Conditions:
BRAT1-related disorder. Also called: BRAT1-related condition; BRAT1-related disorders.
Inborn genetic diseases. Identifiers: MedGen C0950123, MeSH D030342.
Neonatal-onset encephalopathy with rigidity and seizures. Also called: Lethal neonatal spasticity-epileptic encephalopathy syndrome. Identifiers: Orphanet 435845, MedGen C3281029, MONDO:0013784, OMIM 614498.

Allele frequency attached by ClinVar (database versions not stated): ExAC 0.00004; gnomAD exomes 0.00005 and 0.00006; TOPMed 0.00006; gnomAD 0.00007.
gnomAD v4.1: 96 of 1,565,320 alleles (0.0061%); highest among the groups gnomAD compares: Non-Finnish European, 0.0081%; no homozygotes.

Submissions (5):

Labcorp Genetics (formerly Invitae), Labcorp
Classification: Uncertain significance for Neonatal-onset encephalopathy with rigidity and seizures. Last evaluated: 2025-02-24. Review status: criteria provided, single submitter. Criteria: Invitae Variant Classification Sherloc (09022015). Collection method: clinical testing. Allele origin: germline.
Comment: This sequence change replaces leucine, which is neutral and non-polar, with phenylalanine, which is neutral and non-polar, at codon 453 of the BRAT1 protein (p.Leu453Phe). This variant is present in population databases (rs760510041, gnomAD 0.006%). This variant has not been reported in the literature in individuals affected with BRAT1-related conditions. ClinVar contains an entry for this variant (Variation ID: 578422). Invitae Evidence Modeling of protein sequence and biophysical properties (such as structural, functional, and spatial information, amino acid conservation, physicochemical variation, residue mobility, and thermodynamic stability) has been performed for this missense variant. However, the output from this modeling did not meet the statistical confidence thresholds required to predict the impact of this variant on BRAT1 protein function. In summary, the available evidence is currently insufficient to determine the role of this variant in disease. Therefore, it has been classified as a Variant of Uncertain Significance.

Ambry Genetics
Classification: Uncertain significance for Inborn genetic diseases. Last evaluated: 2024-12-23. Review status: criteria provided, single submitter. Criteria: Ambry Variant Classification Scheme 2023. Collection method: clinical testing. Allele origin: germline.

PreventionGenetics, part of Exact Sciences
Classification: Uncertain significance for BRAT1-related condition. Last evaluated: 2024-10-22. Review status: criteria provided, single submitter. Criteria: ACMG Guidelines, 2015. Collection method: clinical testing. Allele origin: germline.
Comment: The BRAT1 c.1357C>T variant is predicted to result in the amino acid substitution p.Leu453Phe. To our knowledge, this variant has not been reported in the literature. This variant is reported in 0.0073% of alleles in individuals of European (Non-Finnish) descent in gnomAD. At this time, the clinical significance of this variant is uncertain due to the absence of conclusive functional and genetic evidence.

Blueprint Genetics
Classification: Uncertain significance. Last evaluated: 2024-06-06. Review status: criteria provided, single submitter. Criteria: ACMG Guidelines, 2015. Collection method: clinical testing. Allele origin: germline.

GeneDx
Classification: Uncertain significance. Last evaluated: 2020-12-21. Review status: criteria provided, single submitter. Criteria: GeneDx Variant Classification Process June 2021. Collection method: clinical testing. Allele origin: germline. Affected: yes.
Comment: Not observed at a significant frequency in large population cohorts (Lek et al., 2016); In silico analysis supports that this missense variant does not alter protein structure/function; Has not been previously published as pathogenic or benign to our knowledge

NM_152743.4(BRAT1):c.1357C>T (p.Leu453Phe)

Gene: BRAT1 (BRCA1 associated ATM activator 1; minus strand). Cytogenetic location: 7p22.3.
Variant type: single nucleotide variant.
Coding change: c.1357C>T on transcript NM_152743.4 (MANE Select); coding-DNA position 1357, C replaced by T.
Protein change: p.Leu453Phe; replaces leucine 453 with phenylalanine.
Molecular consequence: missense variant. On other transcripts: non-coding transcript variant (1).
Genome position (GRCh38, 1-based): chr7:2,541,017, G>A on the plus strand (C>T on the coding strand, the complement: BRAT1 is on the minus strand). VCF-style: chr7-2541017-G-A. GRCh37 (hg19) VCF-style: chr7-2580651-G-A.
Other names: c.1357C>T, p.Leu453Phe (NM_001350626.2); c.832C>T, p.Leu278Phe (NM_001350627.2); short protein forms L453F, L278F.
Identifiers: ClinVar variation 578422 (VCV000578422.14), dbSNP rs760510041, ClinGen allele CA4127795.